The following is an entry in ClinVar:

NM_005956.4(MTHFD1):c.1073C>T (p.Ser358Leu)

Gene: MTHFD1 (methylenetetrahydrofolate dehydrogenase, cyclohydrolase and formyltetrahydrofolate synthetase 1; plus strand). Cytogenetic location: 14q23.3.
Variant type: single nucleotide variant.
Coding change: c.1073C>T on transcript NM_005956.4 (MANE Select); coding-DNA position 1073, C replaced by T.
Protein change: p.Ser358Leu; replaces serine 358 with leucine.
Molecular consequence: missense variant.
Genome position (GRCh38, 1-based): chr14:64,426,138, C>T. VCF-style: chr14-64426138-C-T. GRCh37 (hg19) VCF-style: chr14-64892856-C-T.
Other names: c.1073C>T, p.Ser358Leu (NM_001364837.1); short protein forms S358L.
Identifiers: ClinVar variation 1940500 (VCV001940500.5), dbSNP rs775706361, ClinGen allele CA7226108.
Genomic context (GRCh38, chr14:64,426,138, plus strand): 5'-TTGGTCTGCTGTCTGAAGAGGTAGAATTATATGGTGAAACAAAGGCCAAAGTTCTGCTGT[C>T]AGCACTAGAACGCCTGAAGCACCGGCCTGATGGGAAATACGTGGTGGTGACTGGGTATGC-3'
Protein context (NP_005947.3, residues 348-368): YGETKAKVLL[Ser358Leu]ALERLKHRPD

ClinVar aggregate classification (germline): Uncertain significance (1 of 4 stars; one submission).

Allele frequency attached by ClinVar (database versions not stated): gnomAD exomes below 0.00001; TOPMed below 0.00001; ExAC 0.00002.
gnomAD v4.1: 8 of 1,614,152 alleles (0.0005%); highest among the groups gnomAD compares: Non-Finnish European, 0.00059%; no homozygotes.

Submission:

Labcorp Genetics (formerly Invitae), Labcorp
Classification: Uncertain significance. Last evaluated: 2022-03-18. Review status: criteria provided, single submitter. Criteria: Invitae Variant Classification Sherloc (09022015). Collection method: clinical testing. Allele origin: germline.
Comment: In summary, the available evidence is currently insufficient to determine the role of this variant in disease. Therefore, it has been classified as a Variant of Uncertain Significance. Algorithms developed to predict the effect of missense changes on protein structure and function are either unavailable or do not agree on the potential impact of this missense change (SIFT: "Deleterious"; PolyPhen-2: "Possibly Damaging"; Align-GVGD: "Class C0"). This variant has not been reported in the literature in individuals affected with MTHFD1-related conditions. This variant is present in population databases (rs775706361, gnomAD 0.003%). This sequence change replaces serine, which is neutral and polar, with leucine, which is neutral and non-polar, at codon 358 of the MTHFD1 protein (p.Ser358Leu).